The following is an entry in ClinVar:

ClinVar aggregate classification (germline): Benign/Likely benign. Review status: criteria provided, multiple submitters, no conflicts (2 of 4 stars). 9 submissions from 9 submitters: Benign (7); Likely benign (1). 1 of the submissions does not count toward it. Last evaluated 2026-02-04.

Conditions:
Severe combined immunodeficiency, autosomal recessive, T cell-negative, B cell-negative, NK cell-negative, due to adenosine deaminase deficiency. Also called: SCID DUE TO ADA DEFICIENCY; SCID DUE TO ADA DEFICIENCY, EARLY-ONSET; Adenosine Deaminase Deficiency; ADA deficiency; Adenosine deaminase deficient severe combined immunodeficiency; Severe combined immunodeficiency due to ADA deficiency. Identifiers: Orphanet 277, MedGen C0392607, MONDO:0007064, OMIM 102700.

Allele frequency attached by ClinVar (database versions not stated): 1000 Genomes Project 30x 0.98157; 1000 Genomes Project 0.98223; TOPMed 0.98341; ESP Exome Variant Server 0.98462; gnomAD 0.98470 and 0.98571; ExAC 0.99554; gnomAD exomes 0.99630 and 0.99844.
gnomAD v4.1: 1,600,550 of 1,605,098 alleles (100%); highest among the groups gnomAD compares: East Asian, 100%; 798,115 homozygotes.

Submissions (9):

Labcorp Genetics (formerly Invitae), Labcorp
Classification: Benign for Severe combined immunodeficiency, autosomal recessive, T cell-negative, B cell-negative, NK cell-negative, due to adenosine deaminase deficiency. Last evaluated: 2026-02-04. Review status: criteria provided, single submitter. Criteria: Invitae Variant Classification Sherloc (09022015). Collection method: clinical testing. Allele origin: germline.

Blueprint Genetics
Classification: Likely benign. Last evaluated: 2024-11-28. Review status: criteria provided, single submitter. Criteria: ACMG Guidelines, 2015. Collection method: clinical testing. Allele origin: germline.

Unidad de Genómica Garrahan, Hospital de Pediatría Garrahan
Classification: Benign. Last evaluated: 2024-01-24. Review status: criteria provided, single submitter. Criteria: ACMG Guidelines, 2015. Collection method: clinical testing. Allele origin: germline. Affected: no. Observed: 95 variant alleles.
Comment: This variant is classified as Benign based on local population frequency. This variant was detected in 100% of patients studied by a panel of primary immunodeficiencies. Number of patients: 95. Only high quality variants are reported.

Genome-Nilou Lab
Classification: Benign for Severe combined immunodeficiency, autosomal recessive, T cell-negative, B cell-negative, NK cell-negative, due to adenosine deaminase deficiency. Last evaluated: 2021-06-10. Review status: criteria provided, single submitter. Criteria: ACMG Guidelines, 2015. Collection method: clinical testing. Allele origin: germline. Affected: no.

ARUP Laboratories, Molecular Genetics and Genomics, ARUP Laboratories
Classification: Benign. Last evaluated: 2019-01-09. Review status: criteria provided, single submitter. Criteria: ARUP Molecular Germline Variant Investigation Process. Collection method: clinical testing. Allele origin: germline.

Mayo Clinic Laboratories, Mayo Clinic
Classification: Benign. Last evaluated: 2018-04-19. Review status: criteria provided, single submitter. Criteria: ACMG Guidelines, 2015. Collection method: clinical testing. Allele origin: germline. Observed: 1,206 variant alleles.

Laboratory for Molecular Medicine, Mass General Brigham Personalized Medicine
Classification: Benign. Last evaluated: 2016-03-28. Review status: criteria provided, single submitter. Criteria: LMM Criteria. Collection method: clinical testing. Allele origin: germline.
Comment: Variant identified in a genome or exome case(s) and assessed due to predicted null impact of the variant or pathogenic assertions in the literature or databases. Disclaimer: This variant has not undergone full assessment. The following are preliminary notes: MAF

Breakthrough Genomics
Classification: Benign. Review status: criteria provided, single submitter. Criteria: ACMG Guidelines, 2015. Collection method: not provided. Allele origin: germline. Inheritance: Autosomal recessive inheritance. Affected: yes.

Natera, Inc.
Classification: Benign for Severe combined immunodeficiency due to ADA deficiency. Last evaluated: 2020-09-16. Review status: no assertion criteria provided. Collection method: clinical testing. Allele origin: germline. Not counted in ClinVar's aggregate classification.

NM_000022.4(ADA):c.36G>A (p.Val12=)

Genes: ADA (adenosine deaminase; minus strand), LOC107303343 (adenosine deaminase intronic regulatory elements; plus strand). Cytogenetic location: 20q13.12.
Variant type: single nucleotide variant.
Coding change: c.36G>A on transcript NM_000022.4 (MANE Select); coding-DNA position 36, G replaced by A.
Protein change: p.Val12=; no amino-acid change (valine 12 retained).
Molecular consequence: synonymous variant. On other transcripts: 5 prime UTR variant (1), non-coding transcript variant (1).
Genome position (GRCh38, 1-based): chr20:44,636,286, C>T on the plus strand (G>A on the coding strand, the complement: ADA is on the minus strand). VCF-style: chr20-44636286-C-T. GRCh37 (hg19) VCF-style: chr20-43264927-C-T.
Other names: p.Val12=; c.-254G>A (NM_001322050.2); c.36G>A, p.Val12= (NM_001322051.2).
Identifiers: ClinVar variation 402340 (VCV000402340.28), dbSNP rs394105, ClinGen allele CA9871788.